The following is an entry in ClinVar:

NM_001267550.2(TTN):c.89197+1G>A

Genes: TTN (titin; minus strand), TTN-AS1 (TTN antisense RNA 1; plus strand). Cytogenetic location: 2q31.2.
Variant type: single nucleotide variant.
Coding change: c.89197+1G>A on transcript NM_001267550.2 (MANE Select); the canonical splice donor site of the intron after coding-DNA position 89197, G replaced by A.
Molecular consequence: splice donor variant.
Genome position (GRCh38, 1-based): chr2:178,553,913, C>T on the plus strand (G>A on the coding strand, the complement: TTN is on the minus strand). VCF-style: chr2-178553913-C-T. GRCh37 (hg19) VCF-style: chr2-179418640-C-T.
Other names: c.62002+1G>A (NM_003319.4); c.62578+1G>A (NM_133437.4); c.62377+1G>A (NM_133432.3); c.81493+1G>A (NM_133378.4); c.84274+1G>A (NM_001256850.1).
Identifiers: ClinVar variation 4784212 (VCV004784212.2).

ClinVar aggregate classification (germline): Pathogenic. Review status: criteria provided, multiple submitters, no conflicts (2 of 4 stars). 2 submissions from 2 submitters: Pathogenic (2). Last evaluated 2025-04-27.

Conditions:
TTN-related disorder. Also called: TTN-related condition; TTN-related disease; TTN-related disorders.
Dilated cardiomyopathy 1G (CMD1G). Identifiers: Orphanet 154, MedGen C1858763, MONDO:0011400, OMIM 604145.
Autosomal recessive limb-girdle muscular dystrophy type 2J (LGMDR10). Also called: Limb-girdle muscular dystrophy, type 2J; MUSCULAR DYSTROPHY, LIMB-GIRDLE, AUTOSOMAL RECESSIVE 10. Identifiers: Orphanet 140922, MedGen C1837342, MONDO:0012127, OMIM 608807.

gnomAD v4.1: 1 of 1,589,456 alleles (0.000063%); highest among the groups gnomAD compares: Admixed American, 0.0017%; no homozygotes.

Submissions (2):

Labcorp Genetics (formerly Invitae), Labcorp
Classification: Pathogenic for Dilated cardiomyopathy 1G; Autosomal recessive limb-girdle muscular dystrophy type 2J. Last evaluated: 2025-04-27. Review status: criteria provided, single submitter. Criteria: Invitae Variant Classification Sherloc (09022015). Collection method: clinical testing. Allele origin: germline.
Comment: This sequence change affects a donor splice site in intron 333 of the TTN gene. It is expected to disrupt RNA splicing and likely results in a truncated or disrupted TTN protein. This variant is not present in population databases (gnomAD no frequency). Disruption of this splice site has been observed in individuals with dilated cardiomyopathy (PMID: 30535219; internal data). Algorithms developed to predict the effect of sequence changes on RNA splicing suggest that this variant may disrupt the consensus splice site. This variant is located in the A band of TTN (PMID: 25589632). Truncating variants in this region are significantly overrepresented in patients affected with dilated cardiomyopathy (PMID: 25589632). Truncating variants in this region have also been reported in individuals affected with autosomal recessive centronuclear myopathy (PMID: 23975875). For these reasons, this variant has been classified as Pathogenic.

Blueprint Genetics
Classification: Pathogenic for TTN-related disorders. Last evaluated: 2023-02-20. Review status: criteria provided, single submitter. Criteria: ACMG Guidelines, 2015. Collection method: clinical testing. Allele origin: germline. Affected: yes. Observed: 1 variant allele.

Literature cited by the submitters: PubMed 30535219 (cited by Labcorp Genetics (formerly Invitae), Labcorp); PubMed 25589632 (cited by Labcorp Genetics (formerly Invitae), Labcorp); PubMed 23975875 (cited by Labcorp Genetics (formerly Invitae), Labcorp).